The following is an entry in ClinVar:

NM_001710.6(CFB):c.1316T>C (p.Ile439Thr)

Gene: CFB (complement factor B; plus strand). Cytogenetic location: 6p21.33.
Variant type: single nucleotide variant.
Coding change: c.1316T>C on transcript NM_001710.6 (MANE Select); coding-DNA position 1316, T replaced by C.
Protein change: p.Ile439Thr; replaces isoleucine 439 with threonine.
Molecular consequence: missense variant.
Genome position (GRCh38, 1-based): chr6:31,949,465, T>C. VCF-style: chr6-31949465-T-C. GRCh37 (hg19) VCF-style: chr6-31917242-T-C.
Other names: short protein forms I439T.
Identifiers: ClinVar variation 1944777 (VCV001944777.5), dbSNP rs765465207, ClinGen allele CA3728300.

ClinVar aggregate classification (germline): Uncertain significance (1 of 4 stars; one submission).

Allele frequency attached by ClinVar (database versions not stated): ExAC 0.00001; gnomAD exomes 0.00001; TOPMed 0.00001; gnomAD 0.00002.

Submission:

Labcorp Genetics (formerly Invitae), Labcorp
Classification: Uncertain significance. Last evaluated: 2024-07-23. Review status: criteria provided, single submitter. Criteria: Invitae Variant Classification Sherloc (09022015). Collection method: clinical testing. Allele origin: germline.
Comment: This sequence change replaces isoleucine, which is neutral and non-polar, with threonine, which is neutral and polar, at codon 439 of the CFB protein (p.Ile439Thr). This variant is present in population databases (rs765465207, gnomAD 0.004%). This variant has not been reported in the literature in individuals affected with CFB-related conditions. ClinVar contains an entry for this variant (Variation ID: 1944777). Advanced modeling of protein sequence and biophysical properties (such as structural, functional, and spatial information, amino acid conservation, physicochemical variation, residue mobility, and thermodynamic stability) performed at Invitae indicates that this missense variant is expected to disrupt CFB protein function with a positive predictive value of 80%. In summary, the available evidence is currently insufficient to determine the role of this variant in disease. Therefore, it has been classified as a Variant of Uncertain Significance.